The following is an entry in ClinVar:

ClinVar aggregate classification (germline): Uncertain significance. Review status: reviewed by expert panel (3 of 4 stars). 4 submissions from 4 submitters: Uncertain significance (1). 3 of the submissions do not count toward it. Last evaluated 2023-07-23.

Conditions:
Phenylketonuria (PKU). Also called: OLIGOPHRENIA PHENYLPYRUVICA; Phenylketonurias; Phenylketonuria (PKU); FOLLING DISEASE. Identifiers: Orphanet 716, MedGen C0031485, MONDO:0009861, OMIM 261600. Disease mechanism: loss of function.

Allele frequency attached by ClinVar (database versions not stated): gnomAD exomes below 0.00001; TOPMed below 0.00001; gnomAD 0.00001.
gnomAD v4.1: 4 of 1,613,998 alleles (0.00025%); highest among the groups gnomAD compares: Non-Finnish European, 0.00025%; no homozygotes.

Submissions (4):

ClinGen PAH Variant Curation Expert Panel
Classification: Uncertain significance for Phenylketonuria. Last evaluated: 2023-07-23. Review status: reviewed by expert panel. Criteria: ClinGen PAH ACMG Specifications v1. Collection method: curation. Allele origin: germline. Inheritance: Autosomal recessive inheritance.
Comment: The NM_000277.3:c.786C>T in PAH is a synonymous (silent) variant (p.Val262=) that is not predicted to impact splicing. To our knowledge, this variant has not been reported in the literature and results of functional studies are unavailable. This variant is absent in gnomAD v2.1.1 (PM2_Supporting). There is a ClinVar entry for this variant (Variation ID: 883189, 1 star review status) with two submitters classifying the variant as a variant of uncertain significance and one submitter classifying the variant as likely benign. In summary, this variant meets the criteria to be classified as a variant of uncertain significance for PAH deficiency based on the ACMG/AMP criteria applied, as specified by the ClinGen PAH Variant Curation Expert Panel (Specifications Version 2.0): PM2_Supporting.

Labcorp Genetics (formerly Invitae), Labcorp
Classification: Likely benign for Phenylketonuria. Last evaluated: 2023-12-14. Review status: criteria provided, single submitter. Criteria: Invitae Variant Classification Sherloc (09022015). Collection method: clinical testing. Allele origin: germline. Not counted in ClinVar's aggregate classification.

Genome-Nilou Lab
Classification: Uncertain significance for Phenylketonuria. Last evaluated: 2021-07-22. Review status: criteria provided, single submitter. Criteria: ACMG Guidelines, 2015. Collection method: clinical testing. Allele origin: germline. Affected: no. Not counted in ClinVar's aggregate classification.

Illumina Laboratory Services, Illumina
Classification: Uncertain significance for Phenylketonuria. Last evaluated: 2017-04-27. Review status: criteria provided, single submitter. Criteria: ICSL Variant Classification Criteria 13 December 2019. Collection method: clinical testing. Allele origin: germline. Not counted in ClinVar's aggregate classification.

NM_000277.3(PAH):c.786C>T (p.Val262=)

Gene: PAH (phenylalanine hydroxylase; minus strand). Cytogenetic location: 12q23.2.
Variant type: single nucleotide variant.
Coding change: c.786C>T on transcript NM_000277.3 (MANE Select); coding-DNA position 786, C replaced by T.
Protein change: p.Val262=; no amino-acid change (valine 262 retained).
Molecular consequence: synonymous variant.
Genome position (GRCh38, 1-based): chr12:102,852,871, G>A on the plus strand (C>T on the coding strand, the complement: PAH is on the minus strand). VCF-style: chr12-102852871-G-A. GRCh37 (hg19) VCF-style: chr12-103246649-G-A.
Other names: NM_000277.3(PAH):c.786C>T; p.Val262=; c.786C>T, p.Val262= (NM_001354304.2).
Identifiers: ClinVar variation 883189 (VCV000883189.17), dbSNP rs776860902, ClinGen allele CA242471869.